The following is an entry in ClinVar:

ClinVar aggregate classification (germline): Conflicting classifications of pathogenicity. Review status: criteria provided, conflicting classifications (1 of 4 stars). 4 submissions from 4 submitters: Uncertain significance (3); Likely benign (1). Last evaluated 2025-12-01.

Conditions:
NOTCH2-related disorder. Also called: NOTCH2-related condition.
Inborn genetic diseases. Identifiers: MedGen C0950123, MeSH D030342.
Hajdu-Cheney syndrome (HJCYS). Also called: SERPENTINE FIBULA-POLYCYSTIC KIDNEY SYNDROME; ACROOSTEOLYSIS WITH OSTEOPOROSIS AND CHANGES IN SKULL AND MANDIBLE; Acroosteolysis dominant type. Identifiers: Orphanet 955, MedGen C0917715, MONDO:0007057, OMIM 102500.
Alagille syndrome due to a NOTCH2 point mutation. Also called: Alagille syndrome 2. Identifiers: Orphanet 261629, Orphanet 52, MedGen C1857761, MONDO:0012439, OMIM 610205.

Allele frequency attached by ClinVar (database versions not stated): ExAC 0.00002; gnomAD exomes 0.00005 and 0.00017; TOPMed 0.00007; ESP Exome Variant Server 0.00008; gnomAD 0.00009.
gnomAD v4.1: 253 of 1,613,986 alleles (0.016%); highest among the groups gnomAD compares: Non-Finnish European, 0.021%; no homozygotes.

Submissions (4):

Labcorp Genetics (formerly Invitae), Labcorp
Classification: Uncertain significance for Hajdu-Cheney syndrome. Last evaluated: 2025-12-01. Review status: criteria provided, single submitter. Criteria: Invitae Variant Classification Sherloc (09022015). Collection method: clinical testing. Allele origin: germline.
Comment: This sequence change replaces glycine, which is neutral and non-polar, with arginine, which is basic and polar, at codon 929 of the NOTCH2 protein (p.Gly929Arg). This variant is present in population databases (rs199585130, gnomAD 0.01%). This variant has not been reported in the literature in individuals affected with NOTCH2-related conditions. ClinVar contains an entry for this variant (Variation ID: 1017215). Invitae Evidence Modeling of protein sequence and biophysical properties (such as structural, functional, and spatial information, amino acid conservation, physicochemical variation, residue mobility, and thermodynamic stability) indicates that this missense variant is not expected to disrupt NOTCH2 protein function with a negative predictive value of 80%. In summary, the available evidence is currently insufficient to determine the role of this variant in disease. Therefore, it has been classified as a Variant of Uncertain Significance.

PreventionGenetics, part of Exact Sciences
Classification: Uncertain significance for NOTCH2-related condition. Last evaluated: 2025-05-08. Review status: criteria provided, single submitter. Criteria: ACMG Guidelines, 2015. Collection method: clinical testing. Allele origin: germline.
Comment: The NOTCH2 c.2785G>A variant is predicted to result in the amino acid substitution p.Gly929Arg. To our knowledge, this variant has not been reported in the literature. This variant is reported in 0.011% of alleles in individuals of European (Non-Finnish) descent in gnomAD. Although we suspect that this variant may be benign, at this time, the clinical significance of this variant is uncertain due to the absence of conclusive functional and genetic evidence.

Fulgent Genetics
Classification: Likely benign for Hajdu-Cheney syndrome; Alagille syndrome due to a NOTCH2 point mutation. Last evaluated: 2024-05-30. Review status: criteria provided, single submitter. Criteria: ACMG Guidelines, 2015. Collection method: clinical testing. Allele origin: germline.

Ambry Genetics
Classification: Uncertain significance for Inborn genetic diseases. Last evaluated: 2024-01-30. Review status: criteria provided, single submitter. Criteria: Ambry Variant Classification Scheme 2023. Collection method: clinical testing. Allele origin: germline.

NM_024408.4(NOTCH2):c.2785G>A (p.Gly929Arg)

Gene: NOTCH2 (notch receptor 2; minus strand). Cytogenetic location: 1p12.
Variant type: single nucleotide variant.
Coding change: c.2785G>A on transcript NM_024408.4 (MANE Select); coding-DNA position 2785, G replaced by A.
Protein change: p.Gly929Arg; replaces glycine 929 with arginine.
Molecular consequence: missense variant.
Genome position (GRCh38, 1-based): chr1:119,941,722, C>T on the plus strand (G>A on the coding strand, the complement: NOTCH2 is on the minus strand). VCF-style: chr1-119941722-C-T. GRCh37 (hg19) VCF-style: chr1-120484345-C-T.
Other names: c.2785G>A (NM_024408.3); c.2785G>A, p.Gly929Arg (NM_001200001.2); short protein forms G929R.
Identifiers: ClinVar variation 1017215 (VCV001017215.12), dbSNP rs199585130, ClinGen allele CA1040199.